The following is an entry in ClinVar:

ClinVar aggregate classification (germline): Conflicting classifications of pathogenicity. Review status: criteria provided, conflicting classifications (1 of 4 stars). 4 submissions from 4 submitters: Uncertain significance (3); Likely benign (1). Last evaluated 2025-04-17.

Conditions:
Hereditary cancer-predisposing syndrome. Also called: Hereditary Cancer Syndrome; Hereditary neoplastic syndrome; Tumor predisposition; Neoplastic Syndromes, Hereditary. Identifiers: Orphanet 140162, MedGen C0027672, MeSH D009386, MONDO:0015356.
Renal cell carcinoma. Identifiers: Orphanet 217071, MedGen C0007134, MeSH D002292, MONDO:0005086, HP:0005584.

Allele frequency attached by ClinVar (database versions not stated): ExAC 0.00001; gnomAD 0.00001; gnomAD exomes 0.00001; TOPMed 0.00001.
gnomAD v4.1: 16 of 1,613,918 alleles (0.00099%); highest among the groups gnomAD compares: Non-Finnish European, 0.0014%; no homozygotes.

Submissions (4):

Labcorp Genetics (formerly Invitae), Labcorp
Classification: Uncertain significance for Renal cell carcinoma. Last evaluated: 2025-04-17. Review status: criteria provided, single submitter. Criteria: Invitae Variant Classification Sherloc (09022015). Collection method: clinical testing. Allele origin: germline.
Comment: This sequence change replaces isoleucine, which is neutral and non-polar, with methionine, which is neutral and non-polar, at codon 154 of the MET protein (p.Ile154Met). This variant is present in population databases (rs771146873, gnomAD 0.002%). This missense change has been observed in individual(s) with esophageal squamous cell carcinoma (PMID: 28459198). ClinVar contains an entry for this variant (Variation ID: 1007762). Invitae Evidence Modeling of protein sequence and biophysical properties (such as structural, functional, and spatial information, amino acid conservation, physicochemical variation, residue mobility, and thermodynamic stability) indicates that this missense variant is not expected to disrupt MET protein function with a negative predictive value of 80%. In summary, the available evidence is currently insufficient to determine the role of this variant in disease. Therefore, it has been classified as a Variant of Uncertain Significance.

GeneDx
Classification: Uncertain significance. Last evaluated: 2024-12-17. Review status: criteria provided, single submitter. Criteria: GeneDx Variant Classification Process June 2021. Collection method: clinical testing. Allele origin: germline. Affected: yes.
Comment: Not observed at significant frequency in large population cohorts (gnomAD); In silico analysis indicates that this missense variant does not alter protein structure/function; Observed in an individual with a personal and family history of esophageal squamous cell carcinoma (PMID: 28459198); This variant is associated with the following publications: (PMID: 28459198)

Ambry Genetics
Classification: Likely benign for Hereditary cancer-predisposing syndrome. Last evaluated: 2024-10-30. Review status: criteria provided, single submitter. Criteria: Ambry Variant Classification Scheme 2023. Collection method: clinical testing. Allele origin: germline.

Blueprint Genetics
Classification: Uncertain significance. Last evaluated: 2023-04-21. Review status: criteria provided, single submitter. Criteria: ACMG Guidelines, 2015. Collection method: clinical testing. Allele origin: germline.

Literature cited by the submitters: PubMed 28459198 (cited by Labcorp Genetics (formerly Invitae), Labcorp).

NM_000245.4(MET):c.462A>G (p.Ile154Met)

Gene: MET (MET proto-oncogene, receptor tyrosine kinase; plus strand). Cytogenetic location: 7q31.2.
Variant type: single nucleotide variant.
Coding change: c.462A>G on transcript NM_000245.4 (MANE Select); coding-DNA position 462, A replaced by G.
Protein change: p.Ile154Met; replaces isoleucine 154 with methionine.
Molecular consequence: missense variant. On other transcripts: intron variant (1).
Genome position (GRCh38, 1-based): chr7:116,699,546, A>G. VCF-style: chr7-116699546-A-G. GRCh37 (hg19) VCF-style: chr7-116339600-A-G.
Other names: c.462A>G, p.Ile154Met (NM_001127500.3, NM_001324401.3); c.-91+26969A>G (NM_001324402.2); short protein forms I154M.
Identifiers: ClinVar variation 1007762 (VCV001007762.11), dbSNP rs771146873, ClinGen allele CA4447995.